The following is an entry in ClinVar:

ClinVar aggregate classification (germline): Uncertain significance (1 of 4 stars; one submission).

Submission:

Labcorp Genetics (formerly Invitae), Labcorp
Classification: Uncertain significance. Last evaluated: 2023-11-27. Review status: criteria provided, single submitter. Criteria: Invitae Variant Classification Sherloc (09022015). Collection method: clinical testing. Allele origin: germline.
Comment: This sequence change replaces alanine, which is neutral and non-polar, with proline, which is neutral and non-polar, at codon 395 of the AGBL5 protein (p.Ala395Pro). This variant is not present in population databases (gnomAD no frequency). This variant has not been reported in the literature in individuals affected with AGBL5-related conditions. ClinVar contains an entry for this variant (Variation ID: 1507214). An algorithm developed to predict the effect of missense changes on protein structure and function (PolyPhen-2) suggests that this variant is likely to be tolerated. In summary, the available evidence is currently insufficient to determine the role of this variant in disease. Therefore, it has been classified as a Variant of Uncertain Significance.

NM_021831.6(AGBL5):c.1183G>C (p.Ala395Pro)

Gene: AGBL5 (AGBL carboxypeptidase 5; plus strand). Cytogenetic location: 2p23.3.
Variant type: single nucleotide variant.
Coding change: c.1183G>C on transcript NM_021831.6 (MANE Select); coding-DNA position 1183, G replaced by C.
Protein change: p.Ala395Pro; replaces alanine 395 with proline.
Molecular consequence: missense variant. On other transcripts: non-coding transcript variant (2).
Genome position (GRCh38, 1-based): chr2:27,055,956, G>C. VCF-style: chr2-27055956-G-C. GRCh37 (hg19) VCF-style: chr2-27278824-G-C.
Other names: c.1183G>C, p.Ala395Pro (NM_001035507.3); short protein forms A395P.
Identifiers: ClinVar variation 1507214 (VCV001507214.6), dbSNP rs2148276643, ClinGen allele CA346179667.
Genomic context (GRCh38, chr2:27,055,956, plus strand): 5'-GCTCAGTGTGGGCACTCAGCTGACAGGCATAACGCTGAAGCCTGGAAACAAACAGAGCCA[G>C]CAGAACAGAAGCTCAACAGTGTGTGGATTATGCCACAACAGTCTGCGGGGCTTGAAGAGT-3'
Protein context (NP_068603.4, residues 385-405): NAEAWKQTEP[Ala395Pro]EQKLNSVWIM